The following is an entry in ClinVar:

ClinVar aggregate classification (germline): Uncertain significance (1 of 4 stars; one submission).

Conditions:
Autosomal recessive severe congenital neutropenia due to JAGN1 deficiency. Also called: Severe congenital neutropenia 6, autosomal recessive. Identifiers: Orphanet 423384, MedGen C4014954, MONDO:0014456, OMIM 616022.

Allele frequency attached by ClinVar (database versions not stated): TOPMed below 0.00001; ExAC 0.00001; gnomAD exomes 0.00001 and 0.00002.

Submission:

Labcorp Genetics (formerly Invitae), Labcorp
Classification: Uncertain significance for Autosomal recessive severe congenital neutropenia due to JAGN1 deficiency. Last evaluated: 2025-10-17. Review status: criteria provided, single submitter. Criteria: Invitae Variant Classification Sherloc (09022015). Collection method: clinical testing. Allele origin: germline.
Comment: This sequence change creates a premature translational stop signal (p.Gln127*) in the JAGN1 gene. While this is not anticipated to result in nonsense mediated decay, it is expected to disrupt the last 57 amino acid(s) of the JAGN1 protein. This variant is present in population databases (rs771407343, gnomAD 0.01%). This premature translational stop signal has been observed in individual(s) with severe congenital neutropenia (PMID: 37528877). ClinVar contains an entry for this variant (Variation ID: 939939). Experimental studies and prediction algorithms are not available or were not evaluated, and the functional significance of this variant is currently unknown. In summary, the available evidence is currently insufficient to determine the role of this variant in disease. Therefore, it has been classified as a Variant of Uncertain Significance.

Literature cited by the submitters: PubMed 37528877.

NM_032492.4(JAGN1):c.379C>T (p.Gln127Ter)

Gene: JAGN1 (jagunal vesicle mediated transporter 1; plus strand). Cytogenetic location: 3p25.3.
Variant type: single nucleotide variant.
Coding change: c.379C>T on transcript NM_032492.4 (MANE Select); coding-DNA position 379, C replaced by T.
Protein change: p.Gln127Ter; replaces glutamine 127 with a stop codon.
Molecular consequence: nonsense.
Genome position (GRCh38, 1-based): chr3:9,893,204, C>T. VCF-style: chr3-9893204-C-T. GRCh37 (hg19) VCF-style: chr3-9934888-C-T.
Other names: c.217C>T, p.Gln73Ter (NM_001363890.1); short protein forms Q127*, Q73*.
Identifiers: ClinVar variation 939939 (VCV000939939.5), dbSNP rs771407343, ClinGen allele CA2245883.